The following is an entry in ClinVar:

NM_002691.4(POLD1):c.2125G>A (p.Gly709Ser)

Gene: POLD1 (DNA polymerase delta 1, catalytic subunit; plus strand). Cytogenetic location: 19q13.33.
Variant type: single nucleotide variant.
Coding change: c.2125G>A on transcript NM_002691.4 (MANE Select); coding-DNA position 2125, G replaced by A.
Protein change: p.Gly709Ser; replaces glycine 709 with serine.
Molecular consequence: missense variant. On other transcripts: non-coding transcript variant (1).
Genome position (GRCh38, 1-based): chr19:50,409,637, G>A. VCF-style: chr19-50409637-G-A. GRCh37 (hg19) VCF-style: chr19-50912894-G-A.
Other names: c.2125G>A, p.Gly709Ser (NM_001256849.1); c.2203G>A, p.Gly735Ser (NM_001308632.1); short protein forms G709S, G735S.
Identifiers: ClinVar variation 2105804 (VCV002105804.4), dbSNP rs2122389184, ClinGen allele CA406982675.

ClinVar aggregate classification (germline): Uncertain significance (1 of 4 stars; one submission).

Conditions:
POLD1-related polyposis and colorectal cancer syndrome (CRCS10). Also called: Colorectal cancer 10; COLORECTAL CANCER, SUSCEPTIBILITY TO, ON CHROMOSOME 19q; Colorectal cancer, susceptibility to, 10. Identifiers: Orphanet 220460, MedGen C2675481, MONDO:0012953, OMIM 612591.

Allele frequency attached by ClinVar (database versions not stated): gnomAD exomes below 0.00001.
gnomAD v4.1: 1 of 1,607,138 alleles (0.000062%); highest among the groups gnomAD compares: Non-Finnish European, 0.000085%; no homozygotes.

Submission:

Labcorp Genetics (formerly Invitae), Labcorp
Classification: Uncertain significance for POLD1-related polyposis and colorectal cancer syndrome. Last evaluated: 2021-12-20. Review status: criteria provided, single submitter. Criteria: Invitae Variant Classification Sherloc (09022015). Collection method: clinical testing. Allele origin: germline.
Comment: In summary, the available evidence is currently insufficient to determine the role of this variant in disease. Therefore, it has been classified as a Variant of Uncertain Significance. Algorithms developed to predict the effect of missense changes on protein structure and function (SIFT, PolyPhen-2, Align-GVGD) all suggest that this variant is likely to be disruptive. This variant has not been reported in the literature in individuals affected with POLD1-related conditions. This variant is not present in population databases (gnomAD no frequency). This sequence change replaces glycine, which is neutral and non-polar, with serine, which is neutral and polar, at codon 709 of the POLD1 protein (p.Gly709Ser).